The following is an entry in ClinVar:

NM_004562.3(PRKN):c.1366G>A (p.Val456Ile)

Gene: PRKN (parkin RBR E3 ubiquitin protein ligase; minus strand). Cytogenetic location: 6q26.
Variant type: single nucleotide variant.
Coding change: c.1366G>A on transcript NM_004562.3 (MANE Select); coding-DNA position 1366, G replaced by A.
Protein change: p.Val456Ile; replaces valine 456 with isoleucine.
Molecular consequence: missense variant.
Genome position (GRCh38, 1-based): chr6:161,350,131, C>T on the plus strand (G>A on the coding strand, the complement: PRKN is on the minus strand). VCF-style: chr6-161350131-C-T. GRCh37 (hg19) VCF-style: chr6-161771163-C-T.
Other names: c.1282G>A, p.Val428Ile (NM_013987.3); c.919G>A, p.Val307Ile (NM_013988.3); short protein forms V456I, V307I, V428I.
Identifiers: ClinVar variation 903816 (VCV000903816.11), dbSNP rs755627153, ClinGen allele CA4089929.

ClinVar aggregate classification (germline): Uncertain significance. Review status: criteria provided, multiple submitters, no conflicts (2 of 4 stars). 3 submissions from 3 submitters: Uncertain significance (3). Last evaluated 2026-04-01.

Conditions:
Autosomal recessive juvenile Parkinson disease 2. Also called: Parkinson disease autosomal recessive, early onset; Juvenile parkinsonism; Parkinsonism, early onset, with diurnal fluctuation; PARKINSON DISEASE, JUVENILE, AUTOSOMAL RECESSIVE; PRKN-Related Early-Onset Parkinson Disease; Parkinson disease, juvenile, type 2. Identifiers: Orphanet 2828, MedGen C1868675, MONDO:0010820, OMIM 600116.

Allele frequency attached by ClinVar (database versions not stated): gnomAD 0.00001; TOPMed 0.00002; ExAC 0.00004; gnomAD exomes 0.00004.
gnomAD v4.1: 54 of 1,613,334 alleles (0.0033%); highest among the groups gnomAD compares: Admixed American, 0.022%; no homozygotes.

Submissions (3):

CeGaT Center for Human Genetics Tuebingen
Classification: Uncertain significance. Last evaluated: 2026-04-01. Review status: criteria provided, single submitter. Criteria: CeGaT Center For Human Genetics Tuebingen Variant Classification Criteria Version 2. Collection method: clinical testing. Allele origin: germline. Affected: yes. Observed: 1 variant allele.
Comment: PRKN: PM2, BP4

Labcorp Genetics (formerly Invitae), Labcorp
Classification: Uncertain significance. Last evaluated: 2021-08-07. Review status: criteria provided, single submitter. Criteria: Invitae Variant Classification Sherloc (09022015). Collection method: clinical testing. Allele origin: germline.
Comment: In summary, the available evidence is currently insufficient to determine the role of this variant in disease. Therefore, it has been classified as a Variant of Uncertain Significance. Advanced modeling of protein sequence and biophysical properties (such as structural, functional, and spatial information, amino acid conservation, physicochemical variation, residue mobility, and thermodynamic stability) performed at Invitae indicates that this missense variant is not expected to disrupt PRKN protein function. ClinVar contains an entry for this variant (Variation ID: 903816). This missense change has been observed in individual(s) with Parkinson disease (PMID: 23275044). This variant is present in population databases (rs755627153, ExAC 0.04%). This sequence change replaces valine with isoleucine at codon 456 of the PRKN protein (p.Val456Ile). The valine residue is weakly conserved and there is a small physicochemical difference between valine and isoleucine.

Illumina Laboratory Services, Illumina
Classification: Uncertain significance for Autosomal recessive juvenile Parkinson disease 2. Last evaluated: 2017-04-27. Review status: criteria provided, single submitter. Criteria: ICSL Variant Classification Criteria 13 December 2019. Collection method: clinical testing. Allele origin: germline.
Comment: This variant was observed as part of a predisposition screen in an ostensibly healthy population. A literature search was performed for the gene, cDNA change, and amino acid change (where applicable). Publications were found based on this search. However, the evidence from the literature, in combination with allele frequency data from public databases where available, was not sufficient to rule this variant in or out of causing disease. Therefore, this variant is classified as a variant of unknown significance.

Literature cited by the submitters: PubMed 23275044 (cited by Labcorp Genetics (formerly Invitae), Labcorp and Illumina Laboratory Services, Illumina).